The following is an entry in ClinVar:

NM_001754.5(RUNX1):c.997C>T (p.Pro333Ser)

Gene: RUNX1 (RUNX family transcription factor 1; minus strand). Cytogenetic location: 21q22.12.
Variant type: single nucleotide variant.
Coding change: c.997C>T on transcript NM_001754.5 (MANE Select); coding-DNA position 997, C replaced by T.
Protein change: p.Pro333Ser; replaces proline 333 with serine.
Molecular consequence: missense variant.
Genome position (GRCh38, 1-based): chr21:34,792,581, G>A on the plus strand (C>T on the coding strand, the complement: RUNX1 is on the minus strand). VCF-style: chr21-34792581-G-A. GRCh37 (hg19) VCF-style: chr21-36164878-G-A.
Other names: NM_001754.5(RUNX1):c.997C>T; p.Pro333Ser; c.916C>T, p.Pro306Ser (NM_001001890.3); short protein forms P306S, P333S.
Identifiers: ClinVar variation 3018366 (VCV003018366.4), dbSNP rs1477060839, ClinGen allele CA410148699.

ClinVar aggregate classification (germline): Uncertain significance. Review status: reviewed by expert panel (3 of 4 stars). 2 submissions from 2 submitters: Uncertain significance (1). 1 of the submissions does not count toward it. Last evaluated 2024-09-30.

Conditions:
Hereditary thrombocytopenia and hematologic cancer predisposition syndrome. Identifiers: Orphanet 71290, MedGen CN281654, MONDO:0011071.
Hereditary thrombocytopenia and hematological cancer predisposition syndrome associated with RUNX1. Also called: Familial Platelet Disorder with Propensity to Acute Myelogenous Leukemia; Familial thrombocytopenia with propensity to acute myelogenous leukemia; RUNX1 Familial Platelet Disorder with Associated Myeloid Malignancies; PLATELET DISORDER, ASPIRIN-LIKE. Identifiers: Orphanet 71290, MedGen C1832388, MeSH C563324, MONDO:0100083, OMIM 601399.

Allele frequency attached by ClinVar (database versions not stated): gnomAD exomes below 0.00001.
gnomAD v4.1: 2 of 1,601,900 alleles (0.00012%); highest among the groups gnomAD compares: South Asian, 0.0011%; no homozygotes.

Submissions (2):

ClinGen Myeloid Malignancy Variant Curation Expert Panel
Classification: Uncertain significance for Hereditary thrombocytopenia and hematologic cancer predisposition syndrome. Last evaluated: 2024-09-30. Review status: reviewed by expert panel. Criteria: ClinGen MyeloMalig ACMG Specifications v2. Collection method: curation. Allele origin: germline. Inheritance: Autosomal dominant inheritance.
Comment: NM_001754.5(RUNX1):c.997C>T (p.Pro333Ser) is a missense variant which has a REVEL score < 0.50 (0.291), and a SpliceAI score ≤ 0.20 (0.0) (BP4). In summary, the clinical significance of this variant is uncertain. ACMG/AMP criteria applied, as specified by the Myeloid Malignancy Variant Curation Expert Panel for RUNX1: BP4.

Labcorp Genetics (formerly Invitae), Labcorp
Classification: Uncertain significance for Hereditary thrombocytopenia and hematological cancer predisposition syndrome associated with RUNX1. Last evaluated: 2023-01-16. Review status: criteria provided, single submitter. Criteria: Invitae Variant Classification Sherloc (09022015). Collection method: clinical testing. Allele origin: germline. Not counted in ClinVar's aggregate classification.
Comment: This variant has not been reported in the literature in individuals affected with RUNX1-related conditions. In summary, the available evidence is currently insufficient to determine the role of this variant in disease. Therefore, it has been classified as a Variant of Uncertain Significance. Advanced modeling of protein sequence and biophysical properties (such as structural, functional, and spatial information, amino acid conservation, physicochemical variation, residue mobility, and thermodynamic stability) performed at Invitae indicates that this missense variant is not expected to disrupt RUNX1 protein function. The frequency data for this variant in the population databases is considered unreliable, as metrics indicate poor data quality at this position in the gnomAD database. This sequence change replaces proline, which is neutral and non-polar, with serine, which is neutral and polar, at codon 333 of the RUNX1 protein (p.Pro333Ser).